The following is an entry in ClinVar:

ClinVar aggregate classification (germline): Uncertain significance (1 of 4 stars; one submission).

Conditions:
Hereditary cancer-predisposing syndrome. Also called: Neoplastic Syndromes, Hereditary; Tumor predisposition; Hereditary Cancer Syndrome; Hereditary neoplastic syndrome. Identifiers: Orphanet 140162, MedGen C0027672, MeSH D009386, MONDO:0015356.

gnomAD v4.1: 1 of 1,613,388 alleles (0.000062%); no homozygotes.

Submission:

Ambry Genetics
Classification: Uncertain significance for Hereditary cancer-predisposing syndrome. Last evaluated: 2020-07-24. Review status: criteria provided, single submitter. Criteria: Ambry Variant Classification Scheme 2023. Collection method: clinical testing. Allele origin: germline.
Comment: The p.Y380H variant (also known as c.1138T>C), located in coding exon 8 of the ATM gene, results from a T to C substitution at nucleotide position 1138. The tyrosine at codon 380 is replaced by histidine, an amino acid with similar properties. This amino acid position is not well conserved in available vertebrate species. In addition, this alteration is predicted to be tolerated by in silico analysis. Since supporting evidence is limited at this time, the clinical significance of this alteration remains unclear.

NM_000051.4(ATM):c.1138T>C (p.Tyr380His)

Gene: ATM (ATM serine/threonine kinase; plus strand). Cytogenetic location: 11q22.3.
Variant type: single nucleotide variant.
Coding change: c.1138T>C on transcript NM_000051.4 (MANE Select); coding-DNA position 1138, T replaced by C.
Protein change: p.Tyr380His; replaces tyrosine 380 with histidine.
Molecular consequence: missense variant.
Genome position (GRCh38, 1-based): chr11:108,249,005, T>C. VCF-style: chr11-108249005-T-C. GRCh37 (hg19) VCF-style: chr11-108119732-T-C.
Other names: c.1138T>C, p.Tyr380His (NM_001351834.2); short protein forms Y380H.
Identifiers: ClinVar variation 1730469 (VCV001730469.2), dbSNP rs34083085, ClinGen allele CA382532461.